The following is an entry in ClinVar:

NM_000381.4(MID1):c.1409dup (p.Ser471fs)

Gene: MID1 (midline 1; minus strand). Cytogenetic location: Xp22.2.
Variant type: Duplication.
Coding change: c.1409dup on transcript NM_000381.4 (MANE Select); coding-DNA position 1409, one base duplicated (G; older notation c.1409dupG).
Protein change: p.Ser471fs; shifts the reading frame from serine 471.
Molecular consequence: frameshift variant.
Genome position (GRCh38, 1-based): chrX:10,459,684, C duplicated on the plus strand (G on the coding strand, the reverse complement: MID1 is on the minus strand); the first of 3 consecutive C bases (chrX:10,459,684-10,459,686); duplicating any one gives the same sequence. VCF-style (leftmost placement, unchanged base first): chrX-10459683-G-GC. GRCh37 (hg19) VCF-style: chrX-10427723-G-GC.
Other names: c.1409dup, p.Ser471fs (NM_001098624.2, NM_001193277.1, NM_001347733.2 and 1 more transcripts); c.1295dup, p.Ser433fs (NM_033289.2); short protein forms S433fs, S471fs.
Identifiers: ClinVar variation 4991068 (VCV004991068.1).
Genomic context (GRCh38, chrX:10,459,683, plus strand): 5'-TCTGTTGAGTTCACAGCACTTACTGTTTGTCTTCAACTTCCCAGGCTCACTGCTGCGGCT[G>GC]CCCGCCTGGTTGATGGCCTTGACCATGAAGATGTACTTGGTGCCGCTCTGCAGACCGTGC-3'

ClinVar aggregate classification (germline): Likely pathogenic (1 of 4 stars; one submission).

Conditions:
MID1-related disorder. Also called: MID1-related condition.

Submission:

PreventionGenetics, part of Exact Sciences
Classification: Likely pathogenic for MID1-related condition. Last evaluated: 2026-02-10. Review status: criteria provided, single submitter. Criteria: ACMG Guidelines, 2015. Collection method: clinical testing. Allele origin: germline.
Comment: The MID1 c.1409dupG variant is predicted to result in a frameshift and premature protein termination (p.Ser471Glnfs*5). To our knowledge, this variant has not been reported in the literature or in a large population database (gnomAD), indicating this variant is rare. Frameshift variants in MID1 are expected to be pathogenic. This variant is interpreted as likely pathogenic.